The following is an entry in ClinVar:

NM_001394998.1(TANC2):c.1883A>G (p.Tyr628Cys)

Gene: TANC2 (tetratricopeptide repeat, ankyrin repeat and coiled-coil containing 2; plus strand). Cytogenetic location: 17q23.3.
Variant type: single nucleotide variant.
Coding change: c.1883A>G on transcript NM_001394998.1 (MANE Select); coding-DNA position 1883, A replaced by G.
Protein change: p.Tyr628Cys; replaces tyrosine 628 with cysteine.
Molecular consequence: missense variant.
Genome position (GRCh38, 1-based): chr17:63,351,325, A>G. VCF-style: chr17-63351325-A-G. GRCh37 (hg19) VCF-style: chr17-61428686-A-G.
Other names: c.1661A>G, p.Tyr554Cys (NM_001411076.1, NM_025185.4); short protein forms Y554C, Y628C.
Identifiers: ClinVar variation 4990406 (VCV004990406.1).

ClinVar aggregate classification (germline): Uncertain significance (1 of 4 stars; one submission).

Conditions:
TANC2-related disorder. Also called: TANC2-related condition.

gnomAD v4.1: 2 of 1,611,218 alleles (0.00012%); highest among the groups gnomAD compares: Non-Finnish European, 0.00017%; no homozygotes.

Submission:

PreventionGenetics, part of Exact Sciences
Classification: Uncertain significance for TANC2-related condition. Last evaluated: 2024-12-31. Review status: criteria provided, single submitter. Criteria: ACMG Guidelines, 2015. Collection method: clinical testing. Allele origin: germline.
Comment: The TANC2 c.1661A>G variant is predicted to result in the amino acid substitution p.Tyr554Cys. To our knowledge, this variant has not been reported in the literature. This variant is reported in 0.00089% of alleles in individuals of European (Non-Finnish) descent in gnomAD. At this time, the clinical significance of this variant is uncertain due to the absence of conclusive functional and genetic evidence.